The following is an entry in ClinVar:

ClinVar aggregate classification (germline): Pathogenic (1 of 4 stars; one submission).

Allele frequency attached by ClinVar (database versions not stated): gnomAD exomes below 0.00001.
gnomAD v4.1: 1 of 1,614,050 alleles (0.000062%); highest among the groups gnomAD compares: Non-Finnish European, 0.000085%; no homozygotes.

Submission:

Labcorp Genetics (formerly Invitae), Labcorp
Classification: Pathogenic. Last evaluated: 2023-03-03. Review status: criteria provided, single submitter. Criteria: Invitae Variant Classification Sherloc (09022015). Collection method: clinical testing. Allele origin: germline.
Comment: For these reasons, this variant has been classified as Pathogenic. ClinVar contains an entry for this variant (Variation ID: 862862). This variant has not been reported in the literature in individuals affected with MYH3-related conditions. This variant is not present in population databases (gnomAD no frequency). This sequence change creates a premature translational stop signal (p.Tyr723*) in the MYH3 gene. It is expected to result in an absent or disrupted protein product. Loss-of-function variants in MYH3 are known to be pathogenic (PMID: 29805041, 30008475).

Literature cited by the submitters: PubMed 29805041; PubMed 30008475.

NM_002470.4(MYH3):c.2169C>A (p.Tyr723Ter)

Gene: MYH3 (myosin heavy chain 3; minus strand). Cytogenetic location: 17p13.1.
Variant type: single nucleotide variant.
Coding change: c.2169C>A on transcript NM_002470.4 (MANE Select); coding-DNA position 2169, C replaced by A.
Protein change: p.Tyr723Ter; replaces tyrosine 723 with a stop codon.
Molecular consequence: nonsense.
Genome position (GRCh38, 1-based): chr17:10,640,683, G>T on the plus strand (C>A on the coding strand, the complement: MYH3 is on the minus strand). VCF-style: chr17-10640683-G-T. GRCh37 (hg19) VCF-style: chr17-10544000-G-T.
Other names: short protein forms Y723*.
Identifiers: ClinVar variation 862862 (VCV000862862.6), dbSNP rs899460390, ClinGen allele CA287786795.